The following is an entry in ClinVar:

NM_018896.5(CACNA1G):c.4738A>T (p.Ser1580Cys)

Gene: CACNA1G (calcium voltage-gated channel subunit alpha1 G; plus strand). Cytogenetic location: 17q21.33.
Variant type: single nucleotide variant.
Coding change: c.4738A>T on transcript NM_018896.5 (MANE Select); coding-DNA position 4738, A replaced by T.
Protein change: p.Ser1580Cys; replaces serine 1580 with cysteine.
Molecular consequence: missense variant. On other transcripts: non-coding transcript variant (2), intron variant (17).
Genome position (GRCh38, 1-based): chr17:50,609,914, A>T. VCF-style: chr17-50609914-A-T. GRCh37 (hg19) VCF-style: chr17-48687275-A-T.
Other names: c.4759A>T, p.Ser1587Cys (NM_001256325.2); c.4738A>T, p.Ser1580Cys (NM_001256327.2, NM_001256333.2, NM_198384.3 and 1 more transcripts); c.4636A>T, p.Ser1546Cys (NM_001256329.2); c.4567A>T, p.Ser1523Cys (NM_001256332.2); c.4657A>T, p.Ser1553Cys (NM_001256359.2); c.4669A>T, p.Ser1557Cys (NM_198382.3, NM_198383.3); c.4726+1874A>T (NM_198377.3, NM_198380.3, NM_198378.3 and 1 more transcripts); c.4705+1895A>T (NM_001256324.2, NM_198386.3, NM_001256328.2); and 6 more; short protein forms S1523C, S1546C, S1553C, S1557C, S1580C, S1587C.
Identifiers: ClinVar variation 3390626 (VCV003390626.1).

ClinVar aggregate classification (germline): Uncertain significance (1 of 4 stars; one submission).

gnomAD v4.1: 11 of 1,611,350 alleles (0.00068%); highest among the groups gnomAD compares: African/African-American, 0.0013%; no homozygotes.

Submission:

GeneDx
Classification: Uncertain significance. Last evaluated: 2024-06-10. Review status: criteria provided, single submitter. Criteria: GeneDx Variant Classification Process June 2021. Collection method: clinical testing. Allele origin: germline. Affected: yes.
Comment: Not observed at significant frequency in large population cohorts (gnomAD); In silico analysis indicates that this missense variant does not alter protein structure/function; Has not been previously published as pathogenic or benign to our knowledge